The following is an entry in ClinVar:

NM_001164508.2(NEB):c.1152+1G>C

Gene: NEB (nebulin; minus strand). Cytogenetic location: 2q23.3.
Variant type: single nucleotide variant.
Coding change: c.1152+1G>C on transcript NM_001164508.2 (MANE Select); the canonical splice donor site of the intron after coding-DNA position 1152, G replaced by C.
Molecular consequence: splice donor variant.
Genome position (GRCh38, 1-based): chr2:151,706,880, C>G on the plus strand (G>C on the coding strand, the complement: NEB is on the minus strand). VCF-style: chr2-151706880-C-G. GRCh37 (hg19) VCF-style: chr2-152563394-C-G.
Other names: c.1152+1G>C (NM_004543.5, NM_001164507.2, NM_001271208.2).
Identifiers: ClinVar variation 959213 (VCV000959213.8), dbSNP rs398124167, ClinGen allele CA348826052.
Genomic context (GRCh38, chr2:151,706,880, plus strand): 5'-AGAAAATTTTCATCTCTTTTGCAGCTAAGGTTTAAAAACACTTTGACAAAAATATACTTA[C>G]GTCACTTAGGGCATCTCCTGCTGCCTTCAGCTGCCTAAGCTGTGGGTTCTCTGAAGCAGG-3'

ClinVar aggregate classification (germline): Pathogenic (1 of 4 stars; one submission).

Conditions:
Nemaline myopathy 2 (NEM2). Also called: Nemaline myopathy 2, autosomal recessive. Identifiers: MedGen C1850569, MONDO:0009725, OMIM 256030.

Submission:

Labcorp Genetics (formerly Invitae), Labcorp
Classification: Pathogenic for Nemaline myopathy 2. Last evaluated: 2021-12-01. Review status: criteria provided, single submitter. Criteria: Invitae Variant Classification Sherloc (09022015). Collection method: clinical testing. Allele origin: germline.
Comment: For these reasons, this variant has been classified as Pathogenic. Algorithms developed to predict the effect of sequence changes on RNA splicing suggest that this variant may disrupt the consensus splice site. ClinVar contains an entry for this variant (Variation ID: 959213). Disruption of this splice site has been observed in individuals with nemaline myopathy (PMID: 23572184, 25079567). This variant is not present in population databases (gnomAD no frequency). This sequence change affects a donor splice site in intron 13 of the NEB gene. It is expected to disrupt RNA splicing. Variants that disrupt the donor or acceptor splice site typically lead to a loss of protein function (PMID: 16199547), and loss-of-function variants in NEB are known to be pathogenic (PMID: 25205138).

Literature cited by the submitters: PubMed 23572184; PubMed 25079567; PubMed 16199547; PubMed 25205138.